The following is an entry in ClinVar:

NM_144617.3(HSPB6):c.462A>T (p.Pro154=)

Gene: HSPB6 (heat shock protein family B (small) member 6; minus strand). Cytogenetic location: 19q13.12.
Variant type: single nucleotide variant.
Coding change: c.462A>T on transcript NM_144617.3 (MANE Select); coding-DNA position 462, A replaced by T.
Protein change: p.Pro154=; no amino-acid change (proline 154 retained).
Molecular consequence: synonymous variant.
Genome position (GRCh38, 1-based): chr19:35,755,543, T>A on the plus strand (A>T on the coding strand, the complement: HSPB6 is on the minus strand). VCF-style: chr19-35755543-T-A. GRCh37 (hg19) VCF-style: chr19-36246444-T-A.
Identifiers: ClinVar variation 2649754 (VCV002649754.24), dbSNP rs2146530055, ClinGen allele CA507311042.

ClinVar aggregate classification (germline): Likely benign (1 of 4 stars; one submission).

Submission:

CeGaT Center for Human Genetics Tuebingen
Classification: Likely benign. Last evaluated: 2023-09-01. Review status: criteria provided, single submitter. Criteria: CeGaT Center For Human Genetics Tuebingen Variant Classification Criteria Version 2. Collection method: clinical testing. Allele origin: germline. Affected: yes. Observed: 1 variant allele.
Comment: HSPB6: PM2:Supporting, BP4, BP7